The following is an entry in ClinVar:

NM_003542.4(H4C3):c.270C>T (p.Ala90=)

Gene: H4C3 (H4 clustered histone 3; plus strand). Cytogenetic location: 6p22.2.
Variant type: single nucleotide variant.
Coding change: c.270C>T on transcript NM_003542.4 (MANE Select); coding-DNA position 270, C replaced by T.
Protein change: p.Ala90=; no amino-acid change (alanine 90 retained).
Molecular consequence: synonymous variant.
Genome position (GRCh38, 1-based): chr6:26,104,217, C>T. VCF-style: chr6-26104217-C-T. GRCh37 (hg19) VCF-style: chr6-26104445-C-T.
Identifiers: ClinVar variation 3045887 (VCV003045887.3), dbSNP rs137946858, ClinGen allele CA3666995.

ClinVar aggregate classification (germline): Likely benign. Review status: criteria provided, single submitter (1 of 4 stars). 2 submissions from 2 submitters: Likely benign (1). 1 of the submissions does not count toward it. Last evaluated 2023-07-13.

Conditions:
H4C3-related disorder. Also called: H4C3-related condition.

Allele frequency attached by ClinVar (database versions not stated): gnomAD 0.00027; gnomAD exomes 0.00028; TOPMed 0.00028; ExAC 0.00031; ESP Exome Variant Server 0.00046.

Submissions (2):

Blueprint Genetics
Classification: Likely benign. Last evaluated: 2023-07-13. Review status: criteria provided, single submitter. Criteria: ACMG Guidelines, 2015. Collection method: clinical testing. Allele origin: germline.

PreventionGenetics, part of Exact Sciences
Classification: Likely benign for H4C3-related condition. Last evaluated: 2020-02-11. Review status: no assertion criteria provided. Collection method: clinical testing. Allele origin: germline. Not counted in ClinVar's aggregate classification.
Comment: This variant is classified as likely benign based on ACMG/AMP sequence variant interpretation guidelines (Richards et al. 2015 PMID: 25741868, with internal and published modifications).